The following is an entry in ClinVar:

NM_032119.4(ADGRV1):c.11374A>G (p.Lys3792Glu)

Gene: ADGRV1 (adhesion G protein-coupled receptor V1; plus strand). Cytogenetic location: 5q14.3.
Variant type: single nucleotide variant.
Coding change: c.11374A>G on transcript NM_032119.4 (MANE Select); coding-DNA position 11374, A replaced by G.
Protein change: p.Lys3792Glu; replaces lysine 3792 with glutamic acid.
Molecular consequence: missense variant. On other transcripts: non-coding transcript variant (1).
Genome position (GRCh38, 1-based): chr5:90,753,826, A>G. VCF-style: chr5-90753826-A-G. GRCh37 (hg19) VCF-style: chr5-90049643-A-G.
Other names: p.Lys3792Glu; short protein forms K3792E.
Identifiers: ClinVar variation 3379592 (VCV003379592.1).
Genomic context (GRCh38, chr5:90,753,826, plus strand): 5'-TCACCTTTTGGCTTGGTGGGCTGGCGTGCTGCGTCTGTCTTCATTAGAGTAGCAGAGCCT[A>G]AAGGTAAATATTGTTAAATATCTTTCAAGTTTTAATGAGAAGCTTCATTGGATAATTTAA-3'
Protein context (NP_115495.3, residues 3782-3802): ASVFIRVAEP[Lys3792Glu]ENTTTLQLQI

ClinVar aggregate classification (germline): Uncertain significance (1 of 4 stars; one submission).

gnomAD v4.1: 1 of 1,596,672 alleles (0.000063%); highest among the groups gnomAD compares: Non-Finnish European, 0.000085%; no homozygotes.

Submission:

Mayo Clinic Laboratories, Mayo Clinic
Classification: Uncertain significance. Last evaluated: 2023-06-30. Review status: criteria provided, single submitter. Criteria: ACMG Guidelines, 2015. Collection method: clinical testing. Allele origin: germline. Observed: 1 variant allele.
Comment: BP4, PM2_moderate